The following is an entry in ClinVar:

NM_017617.5(NOTCH1):c.2336G>C (p.Cys779Ser)

Gene: NOTCH1 (notch receptor 1; minus strand). Cytogenetic location: 9q34.3.
Variant type: single nucleotide variant.
Coding change: c.2336G>C on transcript NM_017617.5 (MANE Select); coding-DNA position 2336, G replaced by C.
Protein change: p.Cys779Ser; replaces cysteine 779 with serine.
Molecular consequence: missense variant.
Genome position (GRCh38, 1-based): chr9:136,513,409, C>G on the plus strand (G>C on the coding strand, the complement: NOTCH1 is on the minus strand). VCF-style: chr9-136513409-C-G. GRCh37 (hg19) VCF-style: chr9-139407861-C-G.
Other names: short protein forms C779S.
Identifiers: ClinVar variation 2899063 (VCV002899063.3), dbSNP rs1383539192, ClinGen allele CA375556906.
Genomic context (GRCh38, chr9:136,513,409, plus strand): 5'-TCGAGGGCGGCCCTCTGCACTGAGAAACGCGCAGCCCACTCACCGCTGAAGCCCTCCCGG[C>G]AGGTGCACACGTAGCCACTGGTCATGTCTTTGCAGGTGCCGCCGTTGACACAAGGGTTGG-3'
Protein context (NP_060087.3, residues 769-789): KDMTSGYVCT[Cys779Ser]REGFSGPNCQ

ClinVar aggregate classification (germline): Uncertain significance (1 of 4 stars; one submission).

Conditions:
Adams-Oliver syndrome 5 (AOS5). Identifiers: Orphanet 974, MedGen C4014970, MONDO:0014459, OMIM 616028.

Allele frequency attached by ClinVar (database versions not stated): gnomAD exomes below 0.00001.

Submission:

Labcorp Genetics (formerly Invitae), Labcorp
Classification: Uncertain significance for Adams-Oliver syndrome 5. Last evaluated: 2023-08-02. Review status: criteria provided, single submitter. Criteria: Invitae Variant Classification Sherloc (09022015). Collection method: clinical testing. Allele origin: germline.
Comment: In summary, the available evidence is currently insufficient to determine the role of this variant in disease. Therefore, it has been classified as a Variant of Uncertain Significance. Advanced modeling of protein sequence and biophysical properties (such as structural, functional, and spatial information, amino acid conservation, physicochemical variation, residue mobility, and thermodynamic stability) has been performed at Invitae for this missense variant, however the output from this modeling did not meet the statistical confidence thresholds required to predict the impact of this variant on NOTCH1 protein function. This variant has not been reported in the literature in individuals affected with NOTCH1-related conditions. This variant is present in population databases (no rsID available, gnomAD 0.0009%). This sequence change replaces cysteine, which is neutral and slightly polar, with serine, which is neutral and polar, at codon 779 of the NOTCH1 protein (p.Cys779Ser).